The following is an entry in ClinVar:

ClinVar aggregate classification (germline): Benign/Likely benign. Review status: criteria provided, multiple submitters, no conflicts (2 of 4 stars). 2 submissions from 2 submitters: Benign (1); Likely benign (1). Last evaluated 2025-03-03.

Conditions:
Landau-Kleffner syndrome (FESD). Also called: APHASIA, ACQUIRED, WITH EPILEPSY; EPILEPSY, FOCAL, WITH SPEECH DISORDER AND WITH OR WITHOUT MENTAL RETARDATION. Identifiers: Orphanet 1945, Orphanet 725, Orphanet 98818, MedGen C0282512, MONDO:0009509, OMIM 245570.

Allele frequency attached by ClinVar (database versions not stated): TOPMed 0.00002.
gnomAD v4.1: 11 of 1,613,994 alleles (0.00068%); highest among the groups gnomAD compares: African/African-American, 0.0093%; no homozygotes.

Submissions (2):

Labcorp Genetics (formerly Invitae), Labcorp
Classification: Likely benign for Landau-Kleffner syndrome. Last evaluated: 2025-03-03. Review status: criteria provided, single submitter. Criteria: Invitae Variant Classification Sherloc (09022015). Collection method: clinical testing. Allele origin: germline.

Illumina Laboratory Services, Illumina
Classification: Benign for Landau-Kleffner syndrome. Last evaluated: 2017-04-28. Review status: criteria provided, single submitter. Criteria: ICSL Variant Classification Criteria 13 December 2019. Collection method: clinical testing. Allele origin: germline.
Comment: This variant was observed as part of a predisposition screen in an ostensibly healthy population. A literature search was performed for the gene, cDNA change, and amino acid change (where applicable). Publications were found based on this search. The evidence from the literature, in combination with allele frequency data from public databases where available, was sufficient to rule this variant out of causing disease. Therefore, this variant is classified as benign.

Literature cited by the submitters: PubMed 26220384 (cited by Illumina Laboratory Services, Illumina).

NM_001134407.3(GRIN2A):c.2627T>A (p.Ile876Asn)

Gene: GRIN2A (glutamate ionotropic receptor NMDA type subunit 2A; minus strand). Cytogenetic location: 16p13.2.
Variant type: single nucleotide variant.
Coding change: c.2627T>A on transcript NM_001134407.3 (MANE Select); coding-DNA position 2627, T replaced by A.
Protein change: p.Ile876Asn; replaces isoleucine 876 with asparagine.
Molecular consequence: missense variant.
Genome position (GRCh38, 1-based): chr16:9,764,917, A>T on the plus strand (T>A on the coding strand, the complement: GRIN2A is on the minus strand). VCF-style: chr16-9764917-A-T. GRCh37 (hg19) VCF-style: chr16-9858774-A-T.
Other names: c.2627T>A, p.Ile876Asn (NM_000833.5, NM_001134408.2); short protein forms I876N.
Identifiers: ClinVar variation 838900 (VCV000838900.15), dbSNP rs199784503, ClinGen allele CA394709708.